The following is an entry in ClinVar:

ClinVar aggregate classification (germline): Uncertain significance (1 of 4 stars; one submission).

Submission:

GeneDx
Classification: Uncertain significance. Last evaluated: 2025-07-21. Review status: criteria provided, single submitter. Criteria: GeneDx Variant Classification Process June 2021. Collection method: clinical testing. Allele origin: germline. Affected: yes.
Comment: Not observed at significant frequency in large population cohorts (gnomAD); Missense variant in a gene in which most reported pathogenic variants are truncating/loss of function; Has not been previously published as pathogenic or benign to our knowledge

NM_001267550.2(TTN):c.92194A>G (p.Thr30732Ala)

Genes: TTN (titin; minus strand), TTN-AS1 (TTN antisense RNA 1; plus strand). Cytogenetic location: 2q31.2.
Variant type: single nucleotide variant.
Coding change: c.92194A>G on transcript NM_001267550.2 (MANE Select); coding-DNA position 92194, A replaced by G.
Protein change: p.Thr30732Ala; replaces threonine 30732 with alanine.
Molecular consequence: missense variant.
Genome position (GRCh38, 1-based): chr2:178,549,432, T>C on the plus strand (A>G on the coding strand, the complement: TTN is on the minus strand). VCF-style: chr2-178549432-T-C. GRCh37 (hg19) VCF-style: chr2-179414159-T-C.
Other names: c.87271A>G, p.Thr29091Ala (NM_001256850.1); c.64999A>G, p.Thr21667Ala (NM_003319.4); c.84490A>G, p.Thr28164Ala (NM_133378.4); c.65374A>G, p.Thr21792Ala (NM_133432.3); c.65575A>G, p.Thr21859Ala (NM_133437.4); short protein forms T21667A, T21792A, T21859A, T28164A, T29091A, T30732A.
Identifiers: ClinVar variation 4686894 (VCV004686894.1).